The following is an entry in ClinVar:

ClinVar aggregate classification (germline): Uncertain significance. Review status: criteria provided, multiple submitters, no conflicts (2 of 4 stars). 3 submissions from 3 submitters: Uncertain significance (3). Last evaluated 2025-05-19.

Conditions:
Autosomal recessive limb-girdle muscular dystrophy type 2W (MDRCMTT). Also called: Muscular dystrophy, limb-girdle, type 2W; Muscular dystrophy, autosomal recessive, with cardiomyopathy and triangular tongue. Identifiers: MedGen C4225192, MONDO:0014788, OMIM 616827.

Allele frequency attached by ClinVar (database versions not stated): gnomAD exomes 0.00001; TOPMed 0.00003; gnomAD 0.00003; ExAC 0.00003; 1000 Genomes Project 30x 0.00016; 1000 Genomes Project 0.00020.
gnomAD v4.1: 25 of 1,606,940 alleles (0.0016%); highest among the groups gnomAD compares: East Asian, 0.0067%; no homozygotes.

Submissions (3):

Labcorp Genetics (formerly Invitae), Labcorp
Classification: Uncertain significance for Autosomal recessive limb-girdle muscular dystrophy type 2W. Last evaluated: 2025-05-19. Review status: criteria provided, single submitter. Criteria: Invitae Variant Classification Sherloc (09022015). Collection method: clinical testing. Allele origin: germline.
Comment: This sequence change replaces valine, which is neutral and non-polar, with isoleucine, which is neutral and non-polar, at codon 217 of the LIMS2 protein (p.Val217Ile). This variant is present in population databases (rs560750824, gnomAD 0.02%). This variant has not been reported in the literature in individuals affected with LIMS2-related conditions. ClinVar contains an entry for this variant (Variation ID: 2433438). Invitae Evidence Modeling of protein sequence and biophysical properties (such as structural, functional, and spatial information, amino acid conservation, physicochemical variation, residue mobility, and thermodynamic stability) indicates that this missense variant is not expected to disrupt LIMS2 protein function with a negative predictive value of 80%. In summary, the available evidence is currently insufficient to determine the role of this variant in disease. Therefore, it has been classified as a Variant of Uncertain Significance.

Ambry Genetics
Classification: Uncertain significance. Last evaluated: 2025-05-01. Review status: criteria provided, single submitter. Criteria: Ambry Variant Classification Scheme 2023. Collection method: clinical testing. Allele origin: germline.

Revvity Omics, Revvity
Classification: Uncertain significance for Autosomal recessive limb-girdle muscular dystrophy type 2W. Last evaluated: 2019-09-17. Review status: criteria provided, single submitter. Criteria: ACMG Guidelines, 2015. Collection method: clinical testing. Allele origin: germline.

NM_001161403.3(LIMS2):c.583G>A (p.Val195Ile)

Gene: LIMS2 (LIM zinc finger domain containing 2; minus strand). Cytogenetic location: 2q14.3.
Variant type: single nucleotide variant.
Coding change: c.583G>A on transcript NM_001161403.3 (MANE Select); coding-DNA position 583, G replaced by A.
Protein change: p.Val195Ile; replaces valine 195 with isoleucine.
Molecular consequence: missense variant.
Genome position (GRCh38, 1-based): chr2:127,642,126, C>T on the plus strand (G>A on the coding strand, the complement: LIMS2 is on the minus strand). VCF-style: chr2-127642126-C-T. GRCh37 (hg19) VCF-style: chr2-128399701-C-T.
Other names: c.649G>A, p.Val217Ile (NM_001136037.4); c.568G>A, p.Val190Ile (NM_001161404.2); c.127G>A, p.Val43Ile (NM_001161405.1, NM_001256542.2); c.655G>A, p.Val219Ile (NM_017980.5); c.655G>A (NM_017980.4); c.649G>A (NM_001136037.3); short protein forms V190I, V195I, V217I, V219I, V43I.
Identifiers: ClinVar variation 2433438 (VCV002433438.7), dbSNP rs560750824, ClinGen allele CA1863000.